The following is an entry in ClinVar:

NM_005670.4(EPM2A):c.70G>C (p.Gly24Arg)

Genes: EPM2A (EPM2A glucan phosphatase, laforin; minus strand), EPM2A-DT (EPM2A divergent transcript; plus strand), LOC129997381 (ATAC-STARR-seq lymphoblastoid silent region 17642; plus strand). Cytogenetic location: 6q24.3.
Variant type: single nucleotide variant.
Coding change: c.70G>C on transcript NM_005670.4 (MANE Select); coding-DNA position 70, G replaced by C.
Protein change: p.Gly24Arg; replaces glycine 24 with arginine.
Molecular consequence: missense variant. On other transcripts: 5 prime UTR variant (3), intron variant (1).
Genome position (GRCh38, 1-based): chr6:145,735,429, C>G on the plus strand (G>C on the coding strand, the complement: EPM2A is on the minus strand). VCF-style: chr6-145735429-C-G. GRCh37 (hg19) VCF-style: chr6-146056565-C-G.
Other names: c.70G>C, p.Gly24Arg (NM_001018041.2, NM_001360057.2, NM_001368130.1); c.-600G>C (NM_001360071.2); c.-554G>C (NM_001368129.2); c.-298G>C (NM_001368131.1); c.-114+479G>C (NM_001360064.2); short protein forms G24R.
Identifiers: ClinVar variation 531803 (VCV000531803.9), dbSNP rs1554269710, ClinGen allele CA366188508.

ClinVar aggregate classification (germline): Uncertain significance (1 of 4 stars; one submission).

Conditions:
Progressive myoclonic epilepsy. Also called: Familial progressive myoclonic epilepsy; Myoclonic Epilepsies, Progressive; Progressive myoclonus epilepsy; Myoclonus epilepsy. Identifiers: Orphanet 308, Orphanet 98261, MedGen C0751778, MONDO:0020074.

Submission:

Labcorp Genetics (formerly Invitae), Labcorp
Classification: Uncertain significance for Progressive myoclonic epilepsy. Last evaluated: 2017-12-13. Review status: criteria provided, single submitter. Criteria: Invitae Variant Classification Sherloc (09022015). Collection method: clinical testing. Allele origin: germline.
Comment: In summary, the available evidence is currently insufficient to determine the role of this variant in disease. Therefore, it has been classified as a Variant of Uncertain Significance. Algorithms developed to predict the effect of missense changes on protein structure and function do not agree on the potential impact of this missense change (SIFT: "Deleterious"; PolyPhen-2: "Probably Damaging"; Align-GVGD: "Class C0"). This variant has not been reported in the literature in individuals with EPM2A-related disease. While this variant is not present in population databases, the frequency information is unreliable, as metrics indicate poor data quality at this position in the ExAC database. This sequence change replaces glycine with arginine at codon 24 of the EPM2A protein (p.Gly24Arg). The glycine residue is moderately conserved and there is a moderate physicochemical difference between glycine and arginine.